The following is an entry in ClinVar:

ClinVar aggregate classification (germline): Pathogenic (1 of 4 stars; one submission).

Submission:

Labcorp Genetics (formerly Invitae), Labcorp
Classification: Pathogenic. Last evaluated: 2023-07-12. Review status: criteria provided, single submitter. Criteria: Invitae Variant Classification Sherloc (09022015). Collection method: clinical testing. Allele origin: unknown.
Comment: For these reasons, this variant has been classified as Pathogenic. This variant has not been reported in the literature in individuals affected with ABCA3-related conditions. This variant is a gross deletion of the genomic region encompassing exon(s) 23-26 of the ABCA3 gene. This deletion is out-of-frame, and is expected to create a premature termination codon and result in an absent or disrupted protein product. Loss-of-function variants in ABCA3 are known to be pathogenic (PMID: 27516224).

Literature cited by the submitters: PubMed 27516224.

NC_000016.9:g.(?_2333167)_(2335667_?)del

Gene: ABCA3 (ATP binding cassette subfamily A member 3; minus strand). Cytogenetic location: 16p13.3.
Variant type: Deletion.
Identifiers: ClinVar variation 3243608 (VCV003243608.1).